The following is an entry in ClinVar:

NM_173653.4(SLC9A9):c.702A>G (p.Thr234=)

Gene: SLC9A9 (solute carrier family 9 member A9; minus strand). Cytogenetic location: 3q24.
Variant type: single nucleotide variant.
Coding change: c.702A>G on transcript NM_173653.4 (MANE Select); coding-DNA position 702, A replaced by G.
Protein change: p.Thr234=; no amino-acid change (threonine 234 retained).
Molecular consequence: synonymous variant.
Genome position (GRCh38, 1-based): chr3:143,652,308, T>C on the plus strand (A>G on the coding strand, the complement: SLC9A9 is on the minus strand). VCF-style: chr3-143652308-T-C. GRCh37 (hg19) VCF-style: chr3-143371150-T-C.
Identifiers: ClinVar variation 3053877 (VCV003053877.2), dbSNP rs548486307, ClinGen allele CA2654094.
Genomic context (GRCh38, chr3:143,652,308, plus strand): 5'-TACTTACTATGTAAGGACTATGGCCACTGCATCATTCAACACACTCTCTCCAAACAAGAG[T>C]GTGTACAGGTCAGGGTCGACGTGCAGTTCATGGAAAATGGCCAGCACTGTCACTAGGAAG-3'
Protein context (NP_775924.1, residues 224-244): HELHVDPDLY[Thr234=]LLFGESVLND

ClinVar aggregate classification (germline): Likely benign (0 of 4 stars; one submission).

Conditions:
SLC9A9-related disorder. Also called: SLC9A9-related condition.

gnomAD v4.1: 382 of 1,613,136 alleles (0.024%); highest among the groups gnomAD compares: Non-Finnish European, 0.031%; 1 homozygote.

Submission:

PreventionGenetics, part of Exact Sciences
Classification: Likely benign for SLC9A9-related condition. Last evaluated: 2019-09-05. Review status: no assertion criteria provided. Collection method: clinical testing. Allele origin: germline.
Comment: This variant is classified as likely benign based on ACMG/AMP sequence variant interpretation guidelines (Richards et al. 2015 PMID: 25741868, with internal and published modifications).